The following is an entry in ClinVar:

ClinVar aggregate classification (germline): Pathogenic (1 of 4 stars; one submission).

Submission:

Labcorp Genetics (formerly Invitae), Labcorp
Classification: Pathogenic. Last evaluated: 2022-05-12. Review status: criteria provided, single submitter. Criteria: Invitae Variant Classification Sherloc (09022015). Collection method: clinical testing. Allele origin: germline.
Comment: For these reasons, this variant has been classified as Pathogenic. Algorithms developed to predict the effect of sequence changes on RNA splicing suggest that this variant may disrupt the consensus splice site. This variant has not been reported in the literature in individuals affected with POLE-related conditions. This variant is not present in population databases (gnomAD no frequency). This sequence change creates a premature translational stop signal (p.Thr454Leufs*18) in the POLE gene. It is expected to result in an absent or disrupted protein product. Loss-of-function variants in POLE are known to be pathogenic (PMID: 23230001, 25948378, 30503519).

Literature cited by the submitters: PubMed 23230001; PubMed 25948378; PubMed 30503519.

NM_006231.4(POLE):c.1360del (p.Thr454fs)

Gene: POLE (DNA polymerase epsilon, catalytic subunit; minus strand). Cytogenetic location: 12q24.33.
Variant type: Deletion.
Coding change: c.1360del on transcript NM_006231.4 (MANE Select); coding-DNA position 1360, one base deleted (A; older notation c.1360delA).
Protein change: p.Thr454fs; shifts the reading frame from threonine 454.
Molecular consequence: frameshift variant.
Genome position (GRCh38, 1-based): chr12:132,673,277, T deleted on the plus strand (A on the coding strand, the reverse complement: POLE is on the minus strand). VCF-style (leftmost placement, unchanged base first): chr12-132673276-GT-G. GRCh37 (hg19) VCF-style: chr12-133249862-GT-G.
Other names: short protein forms T454fs.
Identifiers: ClinVar variation 1464616 (VCV001464616.6), dbSNP rs2135997131, ClinGen allele CA2573148327.